The following is an entry in ClinVar:

ClinVar aggregate classification (germline): Likely benign (1 of 4 stars; one submission).

Conditions:
IMPG2-related disorder. Also called: IMPG2-related condition.

gnomAD v4.1: 10 of 1,614,086 alleles (0.00062%); highest among the groups gnomAD compares: South Asian, 0.011%; no homozygotes.

Submission:

PreventionGenetics, part of Exact Sciences
Classification: Likely benign for IMPG2-related condition. Last evaluated: 2025-07-16. Review status: criteria provided, single submitter. Criteria: ACMG Guidelines, 2015. Collection method: clinical testing. Allele origin: germline.
Comment: This variant is classified as likely benign based on ACMG/AMP sequence variant interpretation guidelines (Richards et al. 2015 PMID: 25741868, with internal and published modifications).

NM_016247.4(IMPG2):c.2877T>C (p.Ile959=)

Gene: IMPG2 (interphotoreceptor matrix proteoglycan 2; minus strand). Cytogenetic location: 3q12.3.
Variant type: single nucleotide variant.
Coding change: c.2877T>C on transcript NM_016247.4 (MANE Select); coding-DNA position 2877, T replaced by C.
Protein change: p.Ile959=; no amino-acid change (isoleucine 959 retained).
Molecular consequence: synonymous variant.
Genome position (GRCh38, 1-based): chr3:101,242,833, A>G on the plus strand (T>C on the coding strand, the complement: IMPG2 is on the minus strand). VCF-style: chr3-101242833-A-G. GRCh37 (hg19) VCF-style: chr3-100961677-A-G.
Identifiers: ClinVar variation 4982507 (VCV004982507.1).